The following is an entry in ClinVar:

NM_006648.4(WNK2):c.4801G>C (p.Asp1601His)

Gene: WNK2 (WNK lysine deficient protein kinase 2; plus strand). Cytogenetic location: 9q22.31.
Variant type: single nucleotide variant.
Coding change: c.4801G>C on transcript NM_006648.4 (MANE Select); coding-DNA position 4801, G replaced by C.
Protein change: p.Asp1601His; replaces aspartic acid 1601 with histidine.
Molecular consequence: missense variant.
Genome position (GRCh38, 1-based): chr9:93,289,555, G>C. VCF-style: chr9-93289555-G-C. GRCh37 (hg19) VCF-style: chr9-96051837-G-C.
Other names: c.4912G>C, p.Asp1638His (NM_001282394.3); short protein forms D1601H, D1638H.
Identifiers: ClinVar variation 3470748 (VCV003470748.2).

ClinVar aggregate classification (germline): Uncertain significance (1 of 4 stars; one submission).

gnomAD v4.1: 24 of 1,558,024 alleles (0.0015%); highest among the groups gnomAD compares: Non-Finnish European, 0.0019%; no homozygotes.

Submission:

Ambry Genetics
Classification: Uncertain significance. Last evaluated: 2025-04-20. Review status: criteria provided, single submitter. Criteria: Ambry Variant Classification Scheme 2023. Collection method: clinical testing. Allele origin: germline.
Comment: The p.D1601H variant (also known as c.4801G>C), located in coding exon 19 of the WNK2 gene, results from a G to C substitution at nucleotide position 4801. The aspartic acid at codon 1601 is replaced by histidine, an amino acid with similar properties. This amino acid position is conserved. In addition, this alteration is predicted to be tolerated by in silico analysis. Based on the available evidence, the clinical significance of this variant remains unclear.